The following is an entry in ClinVar:

ClinVar aggregate classification (germline): Uncertain significance (1 of 4 stars; one submission).

Submission:

GeneDx
Classification: Uncertain significance. Last evaluated: 2023-12-01. Review status: criteria provided, single submitter. Criteria: GeneDx Variant Classification Process June 2021. Collection method: clinical testing. Allele origin: germline. Affected: yes.
Comment: Not observed at significant frequency in large population cohorts (gnomAD); In silico analysis supports that this missense variant has a deleterious effect on protein structure/function; Has not been previously published as pathogenic or benign to our knowledge

NM_001357.5(DHX9):c.766G>T (p.Val256Phe)

Gene: DHX9 (DExH-box helicase 9; plus strand). Cytogenetic location: 1q25.3.
Variant type: single nucleotide variant.
Coding change: c.766G>T on transcript NM_001357.5 (MANE Select); coding-DNA position 766, G replaced by T.
Protein change: p.Val256Phe; replaces valine 256 with phenylalanine.
Molecular consequence: missense variant. On other transcripts: non-coding transcript variant (1).
Genome position (GRCh38, 1-based): chr1:182,858,196, G>T. VCF-style: chr1-182858196-G-T. GRCh37 (hg19) VCF-style: chr1-182827331-G-T.
Other names: short protein forms V256F.
Identifiers: ClinVar variation 3365055 (VCV003365055.1).